The following is an entry in ClinVar:

ClinVar aggregate classification (germline): Conflicting classifications of pathogenicity. Review status: criteria provided, conflicting classifications (1 of 4 stars). 2 submissions from 2 submitters: Likely pathogenic (1); Uncertain significance (1). Last evaluated 2023-01-19.

Conditions:
GUCY2C-related disorders.

Allele frequency attached by ClinVar (database versions not stated): gnomAD 0.00001 and 0.00002; gnomAD exomes 0.00001; TOPMed 0.00001.
gnomAD v4.1: 16 of 1,611,342 alleles (0.00099%); highest among the groups gnomAD compares: South Asian, 0.0077%; no homozygotes.

Submissions (2):

Blueprint Genetics
Classification: Likely pathogenic for GUCY2C-related disorders. Last evaluated: 2023-01-19. Review status: criteria provided, single submitter. Criteria: ACMG Guidelines, 2015. Collection method: clinical testing. Allele origin: germline. Affected: yes. Observed: 4 variant alleles.

Labcorp Genetics (formerly Invitae), Labcorp
Classification: Uncertain significance. Last evaluated: 2022-12-06. Review status: criteria provided, single submitter. Criteria: Invitae Variant Classification Sherloc (09022015). Collection method: clinical testing. Allele origin: germline.
Comment: In summary, the available evidence is currently insufficient to determine the role of this variant in disease. Therefore, it has been classified as a Variant of Uncertain Significance. Advanced modeling of protein sequence and biophysical properties (such as structural, functional, and spatial information, amino acid conservation, physicochemical variation, residue mobility, and thermodynamic stability) performed at Invitae indicates that this missense variant is expected to disrupt GUCY2C protein function. ClinVar contains an entry for this variant (Variation ID: 1445816). This missense change has been observed in individual(s) with meconium ileus (PMID: 33883099). This variant is present in population databases (rs771103086, gnomAD 0.003%). This sequence change replaces arginine, which is basic and polar, with cysteine, which is neutral and slightly polar, at codon 705 of the GUCY2C protein (p.Arg705Cys).

Literature cited by the submitters: PubMed 33883099 (cited by Labcorp Genetics (formerly Invitae), Labcorp).

NM_004963.4(GUCY2C):c.2113C>T (p.Arg705Cys)

Gene: GUCY2C (guanylate cyclase 2C; minus strand). Cytogenetic location: 12p12.3.
Variant type: single nucleotide variant.
Coding change: c.2113C>T on transcript NM_004963.4 (MANE Select); coding-DNA position 2113, C replaced by T.
Protein change: p.Arg705Cys; replaces arginine 705 with cysteine.
Molecular consequence: missense variant.
Genome position (GRCh38, 1-based): chr12:14,639,906, G>A on the plus strand (C>T on the coding strand, the complement: GUCY2C is on the minus strand). VCF-style: chr12-14639906-G-A. GRCh37 (hg19) VCF-style: chr12-14792840-G-A.
Other names: short protein forms R705C.
Identifiers: ClinVar variation 1445816 (VCV001445816.9), dbSNP rs771103086, ClinGen allele CA233191903.